The following is an entry in ClinVar:

NM_005045.4(RELN):c.2563G>A (p.Ala855Thr)

Gene: RELN (reelin; minus strand). Cytogenetic location: 7q22.1.
Variant type: single nucleotide variant.
Coding change: c.2563G>A on transcript NM_005045.4 (MANE Select); coding-DNA position 2563, G replaced by A.
Protein change: p.Ala855Thr; replaces alanine 855 with threonine.
Molecular consequence: missense variant.
Genome position (GRCh38, 1-based): chr7:103,630,079, C>T on the plus strand (G>A on the coding strand, the complement: RELN is on the minus strand). VCF-style: chr7-103630079-C-T. GRCh37 (hg19) VCF-style: chr7-103270526-C-T.
Other names: c.2563G>A, p.Ala855Thr (NM_173054.3); short protein forms A855T.
Identifiers: ClinVar variation 646447 (VCV000646447.10), dbSNP rs1269098020, ClinGen allele CA368758591.
Genomic context (GRCh38, chr7:103,630,079, plus strand): 5'-TGGTAAAGTCAAGACTAATGCTGTTGAAAAGCACAGATGTCATGATAATCTCATCAATAG[C>T]CCATACATCTTCTCTCTGGGAAGAATGATACGGTTGCCACCATCTGAACTGAATTCCAAA-3'
Protein context (NP_005036.2, residues 845-865): YHSSQREDVW[Ala855Thr]IDEIIMTSVL

ClinVar aggregate classification (germline): Uncertain significance (1 of 4 stars; one submission).

Conditions:
Familial temporal lobe epilepsy 7. Identifiers: Orphanet 101046, MedGen C4225327, MONDO:0014639, OMIM 616436.
Norman-Roberts syndrome (LIS2). Also called: Lissencephaly 2 (Norman-Roberts type). Identifiers: Orphanet 89844, MedGen C0796089, MONDO:0009760, OMIM 257320.

Submission:

Labcorp Genetics (formerly Invitae), Labcorp
Classification: Uncertain significance for Familial temporal lobe epilepsy 7; Norman-Roberts syndrome. Last evaluated: 2024-02-16. Review status: criteria provided, single submitter. Criteria: Invitae Variant Classification Sherloc (09022015). Collection method: clinical testing. Allele origin: germline.
Comment: This sequence change replaces alanine, which is neutral and non-polar, with threonine, which is neutral and polar, at codon 855 of the RELN protein (p.Ala855Thr). This variant is not present in population databases (gnomAD no frequency). This variant has not been reported in the literature in individuals affected with RELN-related conditions. ClinVar contains an entry for this variant (Variation ID: 646447). Advanced modeling of protein sequence and biophysical properties (such as structural, functional, and spatial information, amino acid conservation, physicochemical variation, residue mobility, and thermodynamic stability) has been performed at Invitae for this missense variant, however the output from this modeling did not meet the statistical confidence thresholds required to predict the impact of this variant on RELN protein function. In summary, the available evidence is currently insufficient to determine the role of this variant in disease. Therefore, it has been classified as a Variant of Uncertain Significance.